The following is an entry in ClinVar:

NM_001854.4(COL11A1):c.3763-4A>G

Gene: COL11A1 (collagen type XI alpha 1 chain; minus strand). Cytogenetic location: 1p21.1.
Variant type: single nucleotide variant.
Coding change: c.3763-4A>G on transcript NM_001854.4 (MANE Select); 4 bases into the intron before coding-DNA position 3763, A replaced by G.
Molecular consequence: intron variant.
Genome position (GRCh38, 1-based): chr1:102,915,688, T>C on the plus strand (A>G on the coding strand, the complement: COL11A1 is on the minus strand). VCF-style: chr1-102915688-T-C. GRCh37 (hg19) VCF-style: chr1-103381244-T-C.
Other names: c.3646-4A>G (NM_001190709.2); c.3799-4A>G (NM_080629.3); c.3415-4A>G (NM_080630.4).
Identifiers: ClinVar variation 1659926 (VCV001659926.16), dbSNP rs1194043670, ClinGen allele CA524885871.
Genomic context (GRCh38, chr1:102,915,688, plus strand): 5'-TACGCCTACACCTGCTTCCCCAGGAGGCCCTGGGTTCCCTGCTTCTCCAGGTTCACCCTA[T>C]ATAGAGAAGATCAAATTAGTATTAGAATACAGAGATGATCTTTTACATTTATAAAATTCA-3'

ClinVar aggregate classification (germline): Conflicting classifications of pathogenicity. Review status: criteria provided, conflicting classifications (1 of 4 stars). 2 submissions from 2 submitters: Uncertain significance (1); Likely benign (1). Last evaluated 2025-10-06.

Allele frequency attached by ClinVar (database versions not stated): gnomAD exomes below 0.00001; gnomAD 0.00001; TOPMed 0.00001.
gnomAD v4.1: 2 of 1,607,090 alleles (0.00012%); highest among the groups gnomAD compares: Admixed American, 0.0033%; no homozygotes.

Submissions (2):

Labcorp Genetics (formerly Invitae), Labcorp
Classification: Likely benign. Last evaluated: 2025-10-06. Review status: criteria provided, single submitter. Criteria: Invitae Variant Classification Sherloc (09022015). Collection method: clinical testing. Allele origin: germline.

CeGaT Center for Human Genetics Tuebingen
Classification: Uncertain significance. Last evaluated: 2025-08-01. Review status: criteria provided, single submitter. Criteria: CeGaT Center For Human Genetics Tuebingen Variant Classification Criteria Version 2. Collection method: clinical testing. Allele origin: germline. Affected: yes. Observed: 1 variant allele.
Comment: COL11A1: PM2, BP4